The following is an entry in ClinVar:

NM_153490.3(KRT13):c.*171G>T

Gene: KRT13 (keratin 13; minus strand). Cytogenetic location: 17q21.2.
Variant type: single nucleotide variant.
Coding change: c.*171G>T on transcript NM_153490.3 (MANE Select); 171 bases downstream of the stop codon, G replaced by T.
Molecular consequence: 3 prime UTR variant.
Genome position (GRCh38, 1-based): chr17:41,501,085, C>A on the plus strand (G>T on the coding strand, the complement: KRT13 is on the minus strand). VCF-style: chr17-41501085-C-A. GRCh37 (hg19) VCF-style: chr17-39657337-C-A.
Other names: c.*259G>T (NM_002274.4).
Identifiers: ClinVar variation 323070 (VCV000323070.9), dbSNP rs903, ClinGen allele CA10649186.

ClinVar aggregate classification (germline): Benign. Review status: criteria provided, multiple submitters, no conflicts (2 of 4 stars). 3 submissions from 3 submitters: Benign (3). Last evaluated 2021-05-12.

Conditions:
White sponge nevus 2 (WSN2). Identifiers: MedGen C4014321, MONDO:0014346, OMIM 615785.

Allele frequency attached by ClinVar (database versions not stated): gnomAD 0.67928 and 0.68196; 1000 Genomes Project 0.68970; 1000 Genomes Project 30x 0.69176; TOPMed 0.68623.
gnomAD v4.1: 364,303 of 571,240 alleles (64%); highest among the groups gnomAD compares: African/African-American, 87%; 118,905 homozygotes.

Submissions (3):

GeneDx
Classification: Benign. Last evaluated: 2021-05-12. Review status: criteria provided, single submitter. Criteria: GeneDx Variant Classification Process June 2021. Collection method: clinical testing. Allele origin: germline. Affected: yes.

Illumina Laboratory Services, Illumina
Classification: Benign for White sponge nevus 2. Last evaluated: 2018-01-12. Review status: criteria provided, single submitter. Criteria: ICSL Variant Classification Criteria 13 December 2019. Collection method: clinical testing. Allele origin: germline.
Comment: This variant was observed in the ICSL laboratory as part of a predisposition screen in an ostensibly healthy population. It had not been previously curated by ICSL or reported in the Human Gene Mutation Database (HGMD: prior to June 1st, 2018), and was therefore a candidate for classification through an automated scoring system. Utilizing variant allele frequency, disease prevalence and penetrance estimates, and inheritance mode, an automated score was calculated to assess if this variant is too frequent to cause the disease. Based on the score and internal cut-off values, a variant classified as benign is not then subjected to further curation. The score for this variant resulted in a classification of benign for this disease.

Breakthrough Genomics
Classification: Benign. Review status: criteria provided, single submitter. Criteria: ACMG Guidelines, 2015. Collection method: not provided. Allele origin: germline. Inheritance: Autosomal dominant inheritance. Affected: yes.